The following is an entry in ClinVar:

ClinVar aggregate classification (germline): Uncertain significance (1 of 4 stars; one submission).

Conditions:
Cardiovascular phenotype. Identifiers: MedGen CN230736.

Allele frequency attached by ClinVar (database versions not stated): ExAC 0.00001.
gnomAD v4.1: 5 of 1,614,024 alleles (0.00031%); highest among the groups gnomAD compares: Non-Finnish European, 0.00034%; no homozygotes.

Submission:

Ambry Genetics
Classification: Uncertain significance for Cardiovascular phenotype. Last evaluated: 2024-01-16. Review status: criteria provided, single submitter. Criteria: Ambry Variant Classification Scheme 2023. Collection method: clinical testing. Allele origin: germline.
Comment: The p.K1240N variant (also known as c.3720G>C), located in coding exon 24 of the APOB gene, results from a G to C substitution at nucleotide position 3720. The lysine at codon 1240 is replaced by asparagine, an amino acid with similar properties. This amino acid position is conserved. In addition, this alteration is predicted to be tolerated by in silico analysis. Since supporting evidence is limited at this time, the clinical significance of this alteration remains unclear.

NM_000384.3(APOB):c.3720G>C (p.Lys1240Asn)

Gene: APOB (apolipoprotein B; minus strand). Cytogenetic location: 2p24.1.
Variant type: single nucleotide variant.
Coding change: c.3720G>C on transcript NM_000384.3 (MANE Select); coding-DNA position 3720, G replaced by C.
Protein change: p.Lys1240Asn; replaces lysine 1240 with asparagine.
Molecular consequence: missense variant.
Genome position (GRCh38, 1-based): chr2:21,014,570, C>G on the plus strand (G>C on the coding strand, the complement: APOB is on the minus strand). VCF-style: chr2-21014570-C-G. GRCh37 (hg19) VCF-style: chr2-21237442-C-G.
Other names: short protein forms K1240N.
Identifiers: ClinVar variation 3231404 (VCV003231404.1), dbSNP rs749027931, ClinGen allele CA059472.